The following is an entry in ClinVar:

ClinVar aggregate classification (germline): Uncertain significance (1 of 4 stars; one submission).

Allele frequency attached by ClinVar (database versions not stated): gnomAD exomes below 0.00001; TOPMed below 0.00001; gnomAD 0.00001; ESP Exome Variant Server 0.00008.
gnomAD v4.1: 2 of 1,613,690 alleles (0.00012%); highest among the groups gnomAD compares: Non-Finnish European, 0.00017%; no homozygotes.

Submission:

Labcorp Genetics (formerly Invitae), Labcorp
Classification: Uncertain significance. Last evaluated: 2023-03-09. Review status: criteria provided, single submitter. Criteria: Invitae Variant Classification Sherloc (09022015). Collection method: clinical testing. Allele origin: germline.
Comment: In summary, the available evidence is currently insufficient to determine the role of this variant in disease. Therefore, it has been classified as a Variant of Uncertain Significance. Advanced modeling of protein sequence and biophysical properties (such as structural, functional, and spatial information, amino acid conservation, physicochemical variation, residue mobility, and thermodynamic stability) performed at Invitae indicates that this missense variant is expected to disrupt AK7 protein function. This variant has not been reported in the literature in individuals affected with AK7-related conditions. This variant is not present in population databases (gnomAD no frequency). This sequence change replaces valine, which is neutral and non-polar, with glycine, which is neutral and non-polar, at codon 289 of the AK7 protein (p.Val289Gly).

NM_152327.5(AK7):c.866T>G (p.Val289Gly)

Gene: AK7 (adenylate kinase 7; plus strand). Cytogenetic location: 14q32.2.
Variant type: single nucleotide variant.
Coding change: c.866T>G on transcript NM_152327.5 (MANE Select); coding-DNA position 866, T replaced by G.
Protein change: p.Val289Gly; replaces valine 289 with glycine.
Molecular consequence: missense variant.
Genome position (GRCh38, 1-based): chr14:96,446,603, T>G. VCF-style: chr14-96446603-T-G. GRCh37 (hg19) VCF-style: chr14-96912940-T-G.
Other names: c.866T>G, p.Val289Gly (NM_001350888.2, NM_001350890.2, NM_001350891.2 and 1 more transcripts); short protein forms V289G.
Identifiers: ClinVar variation 2793220 (VCV002793220.3), dbSNP rs376788375, ClinGen allele CA266041273.
Genomic context (GRCh38, chr14:96,446,603, plus strand): 5'-TGCCAAAGCCTCACTACCTGGTTGCTGTGGATGAGTCTGTTCATACCCTGGAAGACATAG[T>G]CAAGGTACAGTGGTTTCATCCCATACTTTGATGACATATCGTAAATAGTTTTGCTGGCTG-3'
Protein context (NP_689540.2, residues 279-299): DESVHTLEDI[Val289Gly]KCISKNTGPG